The following is an entry in ClinVar:

NM_032638.5(GATA2):c.1002G>C (p.Lys334Asn)

Gene: GATA2 (GATA binding protein 2; minus strand). Cytogenetic location: 3q21.3.
Variant type: single nucleotide variant.
Coding change: c.1002G>C on transcript NM_032638.5 (MANE Select); coding-DNA position 1002, G replaced by C.
Protein change: p.Lys334Asn; replaces lysine 334 with asparagine.
Molecular consequence: missense variant.
Genome position (GRCh38, 1-based): chr3:128,483,875, C>G on the plus strand (G>C on the coding strand, the complement: GATA2 is on the minus strand). VCF-style: chr3-128483875-C-G. GRCh37 (hg19) VCF-style: chr3-128202718-C-G.
Other names: c.1002G>C, p.Lys334Asn (NM_001145661.2, NM_001145662.1); short protein forms K334N.
Identifiers: ClinVar variation 5040588 (VCV005040588.1).
Genomic context (GRCh38, chr3:128,483,875, plus strand): 5'-CTCCTGCCCAGCAGCCCCCTCCCAGCCACCTGTGCCCGCTCCTACCAGTCTTCGCTTGGG[C>G]TTGATGAGTGGTCGGTTCTGCCCATTCATCTTGTGGTAGAGGCCACAGGCATTGCACAGG-3'
Protein context (NP_116027.2, residues 324-344): KMNGQNRPLI[Lys334Asn]PKRRLSAARR

ClinVar aggregate classification (germline): Uncertain significance (1 of 4 stars; one submission).

Submission:

CeGaT Center for Human Genetics Tuebingen
Classification: Uncertain significance. Last evaluated: 2026-08-01. Review status: criteria provided, single submitter. Criteria: CeGaT Center For Human Genetics Tuebingen Variant Classification Criteria Version 2. Collection method: clinical testing. Allele origin: germline. Affected: yes. Observed: 1 variant allele.
Comment: GATA2: PM2, PP2, PP3